The following is an entry in ClinVar:

ClinVar aggregate classification (germline): Uncertain significance (1 of 4 stars; one submission).

gnomAD v4.1: 2 of 1,583,338 alleles (0.00013%); highest among the groups gnomAD compares: Admixed American, 0.0018%; no homozygotes.

Submission:

GeneDx
Classification: Uncertain significance. Last evaluated: 2024-12-18. Review status: criteria provided, single submitter. Criteria: GeneDx Variant Classification Process June 2021. Collection method: clinical testing. Allele origin: germline. Affected: yes.
Comment: Not observed at significant frequency in large population cohorts (gnomAD); In silico analysis indicates that this missense variant does not alter protein structure/function; Has not been previously published as pathogenic or benign to our knowledge

NM_001387430.1(SH2B1):c.713G>A (p.Gly238Asp)

Gene: SH2B1 (SH2B adaptor protein 1; plus strand). Cytogenetic location: 16p11.2.
Variant type: single nucleotide variant.
Coding change: c.713G>A on transcript NM_001387430.1 (MANE Select); coding-DNA position 713, G replaced by A.
Protein change: p.Gly238Asp; replaces glycine 238 with aspartic acid.
Molecular consequence: missense variant. On other transcripts: intron variant (1).
Genome position (GRCh38, 1-based): chr16:28,866,807, G>A. VCF-style: chr16-28866807-G-A. GRCh37 (hg19) VCF-style: chr16-28878128-G-A.
Other names: c.713G>A, p.Gly238Asp (NM_001145795.2, NM_001145796.2, NM_001145797.2 and 4 more transcripts); c.-26-567G>A (NM_001308294.2); short protein forms G238D.
Identifiers: ClinVar variation 3906801 (VCV003906801.1).